The following is an entry in ClinVar:

ClinVar aggregate classification (germline): Uncertain significance (1 of 4 stars; one submission).

Conditions:
Multiple gastrointestinal atresias. Also called: Multiple intestinal atresia; FAMILIAL INTESTINAL POLYATRESIA SYNDROME. Identifiers: Orphanet 2300, MedGen C0220744, MONDO:0009465.

Allele frequency attached by ClinVar (database versions not stated): gnomAD exomes below 0.00001.
gnomAD v4.1: 4 of 1,614,054 alleles (0.00025%); highest among the groups gnomAD compares: Non-Finnish European, 0.00034%; no homozygotes.

Submission:

Labcorp Genetics (formerly Invitae), Labcorp
Classification: Uncertain significance for Multiple gastrointestinal atresias. Last evaluated: 2022-03-01. Review status: criteria provided, single submitter. Criteria: Invitae Variant Classification Sherloc (09022015). Collection method: clinical testing. Allele origin: germline.
Comment: This sequence change replaces alanine, which is neutral and non-polar, with valine, which is neutral and non-polar, at codon 184 of the TTC7A protein (p.Ala184Val). This variant is not present in population databases (gnomAD no frequency). This variant has not been reported in the literature in individuals affected with TTC7A-related conditions. Algorithms developed to predict the effect of missense changes on protein structure and function (SIFT, PolyPhen-2, Align-GVGD) all suggest that this variant is likely to be tolerated. In summary, the available evidence is currently insufficient to determine the role of this variant in disease. Therefore, it has been classified as a Variant of Uncertain Significance.

NM_020458.4(TTC7A):c.551C>T (p.Ala184Val)

Genes: TTC7A (tetratricopeptide repeat domain 7A; plus strand), LOC126806211 (CDK7 strongly-dependent group 2 enhancer GRCh37_chr2:47201305-47202504; plus strand). Cytogenetic location: 2p21.
Variant type: single nucleotide variant.
Coding change: c.551C>T on transcript NM_020458.4 (MANE Select); coding-DNA position 551, C replaced by T.
Protein change: p.Ala184Val; replaces alanine 184 with valine.
Molecular consequence: missense variant. On other transcripts: 5 prime UTR variant (1).
Genome position (GRCh38, 1-based): chr2:46,975,006, C>T. VCF-style: chr2-46975006-C-T. GRCh37 (hg19) VCF-style: chr2-47202145-C-T.
Other names: c.551C>T, p.Ala184Val (NM_001288951.2); c.449C>T, p.Ala150Val (NM_001288953.2); c.-354C>T (NM_001288955.2); short protein forms A184V, A150V.
Identifiers: ClinVar variation 2105202 (VCV002105202.4), dbSNP rs2466471420, ClinGen allele CA346722930.